The following is an entry in ClinVar:

ClinVar aggregate classification (germline): Uncertain significance (1 of 4 stars; one submission).

Submission:

Labcorp Genetics (formerly Invitae), Labcorp
Classification: Uncertain significance. Last evaluated: 2023-02-27. Review status: criteria provided, single submitter. Criteria: Invitae Variant Classification Sherloc (09022015). Collection method: clinical testing. Allele origin: germline.
Comment: This variant has not been reported in the literature in individuals affected with CAMK2B-related conditions. In summary, the available evidence is currently insufficient to determine the role of this variant in disease. Therefore, it has been classified as a Variant of Uncertain Significance. Algorithms developed to predict the effect of sequence changes on RNA splicing suggest that this variant may disrupt the consensus splice site. This variant is not present in population databases (gnomAD no frequency). This sequence change affects a donor splice site in intron 12 of the CAMK2B gene. It is expected to disrupt RNA splicing. Variants that disrupt the donor or acceptor splice site typically lead to a loss of protein function (PMID: 16199547), however the current clinical and genetic evidence is not sufficient to establish whether loss-of-function variants in CAMK2B cause disease.

Literature cited by the submitters: PubMed 16199547.

NM_001220.5(CAMK2B):c.946+2T>G

Gene: CAMK2B (calcium/calmodulin dependent protein kinase II beta; minus strand). Cytogenetic location: 7p13.
Variant type: single nucleotide variant.
Coding change: c.946+2T>G on transcript NM_001220.5 (MANE Select); the canonical splice donor site of the intron after coding-DNA position 946, T replaced by G.
Molecular consequence: splice donor variant.
Genome position (GRCh38, 1-based): chr7:44,240,705, A>C on the plus strand (T>G on the coding strand, the complement: CAMK2B is on the minus strand). VCF-style: chr7-44240705-A-C. GRCh37 (hg19) VCF-style: chr7-44280304-A-C.
Other names: c.946+2T>G (NM_172084.3, NM_172080.3, NM_172083.3 and 5 more transcripts).
Identifiers: ClinVar variation 2841320 (VCV002841320.3), dbSNP rs2485976458, ClinGen allele CA367362787.
Genomic context (GRCh38, chr7:44,240,705, plus strand): 5'-CTCTCCTGCGTGGGCCAGCAGGGAGGGGGCAGCGCCTGTCTCCCTGGAGAAGAAAGGCTC[A>C]CCTGAGAAATTCCGTGTGGCCAGCATGGTGGTGAGGATGGCTCCCTGGGGAGAGACACAG-3'